The following is an entry in ClinVar:

ClinVar aggregate classification (germline): Pathogenic (1 of 4 stars; one submission).

Conditions:
Ataxia-telangiectasia syndrome (AT). Also called: Ataxia telangiectasia (A-T); ATAXIA-TELANGIECTASIA, COMPLEMENTATION GROUP A; ATAXIA-TELANGIECTASIA, FRESNO VARIANT; Ataxia-telangiectasia; Ataxia-telangiectasia, complementation group E; LOUIS-BAR SYNDROME. Identifiers: Orphanet 100, MedGen C0004135, MONDO:0008840, OMIM 208900.

Allele frequency attached by ClinVar (database versions not stated): gnomAD 0.00001.
gnomAD v4.1: 1 of 1,613,556 alleles (0.000062%); highest among the groups gnomAD compares: African/African-American, 0.0013%; no homozygotes.

Submission:

Labcorp Genetics (formerly Invitae), Labcorp
Classification: Pathogenic for Ataxia-telangiectasia syndrome. Last evaluated: 2020-10-14. Review status: criteria provided, single submitter. Criteria: Invitae Variant Classification Sherloc (09022015). Collection method: clinical testing. Allele origin: germline.
Comment: For these reasons, this variant has been classified as Pathogenic. Loss-of-function variants in ATM are known to be pathogenic (PMID: 23807571, 25614872). This variant has not been reported in the literature in individuals with ATM-related conditions. This variant is not present in population databases (ExAC no frequency). This sequence change creates a premature translational stop signal (p.Glu2221*) in the ATM gene. It is expected to result in an absent or disrupted protein product.

Literature cited by the submitters: PubMed 23807571; PubMed 25614872.

NM_000051.4(ATM):c.6661G>T (p.Glu2221Ter)

Genes: ATM (ATM serine/threonine kinase; plus strand), C11orf65 (chromosome 11 open reading frame 65; minus strand). Cytogenetic location: 11q22.3.
Variant type: single nucleotide variant.
Coding change: c.6661G>T on transcript NM_000051.4 (MANE Select); coding-DNA position 6661, G replaced by T.
Protein change: p.Glu2221Ter; replaces glutamic acid 2221 with a stop codon.
Molecular consequence: nonsense. On other transcripts: intron variant (2).
Genome position (GRCh38, 1-based): chr11:108,325,398, G>T. VCF-style: chr11-108325398-G-T. GRCh37 (hg19) VCF-style: chr11-108196125-G-T.
Other names: c.6661G>T, p.Glu2221Ter (NM_001351834.2); c.641-16327C>A (NM_001330368.2); c.*38+9822C>A (NM_001351110.2); short protein forms E2221*.
Identifiers: ClinVar variation 1070130 (VCV001070130.7), dbSNP rs1591128898, ClinGen allele CA382554844.